The following is an entry in ClinVar:

NM_000212.3(ITGB3):c.1976G>A (p.Arg659His)

Gene: ITGB3 (integrin subunit beta 3; plus strand). Cytogenetic location: 17q21.32.
Variant type: single nucleotide variant.
Coding change: c.1976G>A on transcript NM_000212.3 (MANE Select); coding-DNA position 1976, G replaced by A.
Protein change: p.Arg659His; replaces arginine 659 with histidine.
Molecular consequence: missense variant.
Genome position (GRCh38, 1-based): chr17:47,300,540, G>A. VCF-style: chr17-47300540-G-A. GRCh37 (hg19) VCF-style: chr17-45377906-G-A.
Other names: short protein forms R659H.
Identifiers: ClinVar variation 3605713 (VCV003605713.2).

ClinVar aggregate classification (germline): Uncertain significance. Review status: criteria provided, multiple submitters, no conflicts (2 of 4 stars). 2 submissions from 2 submitters: Uncertain significance (2). Last evaluated 2026-02-02.

Submissions (2):

Labcorp Genetics (formerly Invitae), Labcorp
Classification: Uncertain significance. Last evaluated: 2026-02-02. Review status: criteria provided, single submitter. Criteria: Invitae Variant Classification Sherloc (09022015). Collection method: clinical testing. Allele origin: germline.
Comment: This sequence change replaces arginine, which is basic and polar, with histidine, which is basic and polar, at codon 659 of the ITGB3 protein (p.Arg659His). This variant is present in population databases (rs377302275, gnomAD 0.01%). This variant has not been reported in the literature in individuals affected with ITGB3-related conditions. ClinVar contains an entry for this variant (Variation ID: 3605713). Invitae Evidence Modeling of protein sequence and biophysical properties (such as structural, functional, and spatial information, amino acid conservation, physicochemical variation, residue mobility, and thermodynamic stability) indicates that this missense variant is not expected to disrupt ITGB3 protein function with a negative predictive value of 80%. In summary, the available evidence is currently insufficient to determine the role of this variant in disease. Therefore, it has been classified as a Variant of Uncertain Significance.

Women's Health and Genetics/Laboratory Corporation of America, LabCorp
Classification: Uncertain significance. Last evaluated: 2024-11-19. Review status: criteria provided, single submitter. Criteria: LabCorp Variant Classification Summary - May 2015. Collection method: clinical testing. Allele origin: germline.
Comment: Variant summary: ITGB3 c.1976G>A (p.Arg659His), also reported as Arg633His, results in a non-conservative amino acid change located in the Integrin beta tail domain (IPR012896) of the encoded protein sequence. Three of five in-silico tools predict a benign effect of the variant on protein function. The variant allele was found at a frequency of 4.4e-05 in 251394 control chromosomes. This frequency is not significantly higher than estimated for a pathogenic variant in ITGB3 causing Glanzmann Thrombasthenia 2, allowing no conclusion about variant significance. c.1976G>A has been reported in the literature in at least 1 individual affected with alloimmune thrombocytopenia (example, Simsek_1994, Simsek_1997). These report(s) do not provide unequivocal conclusions about association of the variant with ITGB3-related conditions. To our knowledge, no experimental evidence demonstrating an impact on protein function has been reported. The following publications have been ascertained in the context of this evaluation (PMID: 7863631, 9163597). No submitters have cited clinical-significance assessments for this variant to ClinVar. Based on the evidence outlined above, the variant was classified as uncertain significance.

Literature cited by the submitters: PubMed 9163597 (cited by Women's Health and Genetics/Laboratory Corporation of America, LabCorp); PubMed 7863631 (cited by Women's Health and Genetics/Laboratory Corporation of America, LabCorp).